The following is an entry in ClinVar:

ClinVar aggregate classification (germline): Benign. Review status: criteria provided, multiple submitters, no conflicts (2 of 4 stars). 2 submissions from 2 submitters: Benign (2). Last evaluated 2018-01-12.

Conditions:
Hypomaturation-hypoplastic amelogenesis imperfecta with taurodontism. Also called: Amelogenesis imperfecta, type IV. Identifiers: Orphanet 100034, Orphanet 88661, MedGen C1863012, MONDO:0007093, OMIM 104510. Disease mechanism: loss of function.

Allele frequency attached by ClinVar (database versions not stated): gnomAD 0.06607 and 0.07101; TOPMed 0.06723; gnomAD exomes 0.09211; 1000 Genomes Project 30x 0.11399; 1000 Genomes Project 0.12200.

Submissions (2):

Illumina Laboratory Services, Illumina
Classification: Benign for Hypomaturation-hypoplastic amelogenesis imperfecta with taurodontism. Last evaluated: 2018-01-12. Review status: criteria provided, single submitter. Criteria: ICSL Variant Classification Criteria 13 December 2019. Collection method: clinical testing. Allele origin: germline.
Comment: This variant was observed in the ICSL laboratory as part of a predisposition screen in an ostensibly healthy population. It had not been previously curated by ICSL or reported in the Human Gene Mutation Database (HGMD: prior to June 1st, 2018), and was therefore a candidate for classification through an automated scoring system. Utilizing variant allele frequency, disease prevalence and penetrance estimates, and inheritance mode, an automated score was calculated to assess if this variant is too frequent to cause the disease. Based on the score and internal cut-off values, a variant classified as benign is not then subjected to further curation. The score for this variant resulted in a classification of benign for this disease.

Breakthrough Genomics
Classification: Benign. Review status: criteria provided, single submitter. Criteria: ACMG Guidelines, 2015. Collection method: not provided. Allele origin: germline. Inheritance: Autosomal dominant inheritance. Affected: yes.

NM_005220.3(DLX3):c.*1300C>G

Gene: DLX3 (distal-less homeobox 3; minus strand). Cytogenetic location: 17q21.33.
Variant type: single nucleotide variant.
Coding change: c.*1300C>G on transcript NM_005220.3 (MANE Select); 1300 bases downstream of the stop codon, C replaced by G.
Molecular consequence: 3 prime UTR variant.
Genome position (GRCh38, 1-based): chr17:49,990,217, G>C on the plus strand (C>G on the coding strand, the complement: DLX3 is on the minus strand). VCF-style: chr17-49990217-G-C. GRCh37 (hg19) VCF-style: chr17-48067581-G-C.
Identifiers: ClinVar variation 324002 (VCV000324002.6), dbSNP rs3803878, ClinGen allele CA10649616.